The following is an entry in ClinVar:

NM_032982.4(CASP2):c.1233C>T (p.Asn411=)

Gene: CASP2 (caspase 2; plus strand). Cytogenetic location: 7q34.
Variant type: single nucleotide variant.
Coding change: c.1233C>T on transcript NM_032982.4 (MANE Select); coding-DNA position 1233, C replaced by T.
Protein change: p.Asn411=; no amino-acid change (asparagine 411 retained).
Molecular consequence: synonymous variant. On other transcripts: 3 prime UTR variant (2).
Genome position (GRCh38, 1-based): chr7:143,304,945, C>T. VCF-style: chr7-143304945-C-T. GRCh37 (hg19) VCF-style: chr7-143002038-C-T.
Other names: c.*262C>T (NM_001224.5); c.*688C>T (NM_032983.4).
Identifiers: ClinVar variation 4872832 (VCV004872832.2).

ClinVar aggregate classification (germline): Likely benign (1 of 4 stars; one submission).

gnomAD v4.1: 60 of 1,614,184 alleles (0.0037%); highest among the groups gnomAD compares: East Asian, 0.087%; no homozygotes.

Submission:

CeGaT Center for Human Genetics Tuebingen
Classification: Likely benign. Last evaluated: 2026-05-01. Review status: criteria provided, single submitter. Criteria: CeGaT Center For Human Genetics Tuebingen Variant Classification Criteria Version 2. Collection method: clinical testing. Allele origin: germline. Affected: yes. Observed: 1 variant allele.
Comment: CASP2: BP4, BP7